The following is an entry in ClinVar:

ClinVar aggregate classification (germline): Uncertain significance (1 of 4 stars; one submission).

Conditions:
Facioscapulohumeral muscular dystrophy 2 (FSHD2). Also called: MUSCULAR DYSTROPHY, FACIOSCAPULOHUMERAL, TYPE 1B; FACIOSCAPULOHUMERAL MUSCULAR DYSTROPHY 2, DIGENIC; FSHD2, DIGENIC. Identifiers: Orphanet 269, MedGen C1834671, MONDO:0008031, OMIM 158901.

Submission:

Labcorp Genetics (formerly Invitae), Labcorp
Classification: Uncertain significance for Facioscapulohumeral muscular dystrophy 2. Last evaluated: 2024-06-01. Review status: criteria provided, single submitter. Criteria: Invitae Variant Classification Sherloc (09022015). Collection method: clinical testing. Allele origin: germline.
Comment: This sequence change replaces arginine, which is basic and polar, with proline, which is neutral and non-polar, at codon 158 of the SMCHD1 protein (p.Arg158Pro). This variant is present in population databases (rs531460906, gnomAD 0.0009%). This variant has not been reported in the literature in individuals affected with SMCHD1-related conditions. Advanced modeling of protein sequence and biophysical properties (such as structural, functional, and spatial information, amino acid conservation, physicochemical variation, residue mobility, and thermodynamic stability) performed at Invitae indicates that this missense variant is not expected to disrupt SMCHD1 protein function with a negative predictive value of 80%. In summary, the available evidence is currently insufficient to determine the role of this variant in disease. Therefore, it has been classified as a Variant of Uncertain Significance.

NM_015295.3(SMCHD1):c.473G>C (p.Arg158Pro)

Gene: SMCHD1 (structural maintenance of chromosomes flexible hinge domain containing 1; plus strand). Cytogenetic location: 18p11.32.
Variant type: single nucleotide variant.
Coding change: c.473G>C on transcript NM_015295.3 (MANE Select); coding-DNA position 473, G replaced by C.
Protein change: p.Arg158Pro; replaces arginine 158 with proline.
Molecular consequence: missense variant.
Genome position (GRCh38, 1-based): chr18:2,673,329, G>C. VCF-style: chr18-2673329-G-C. GRCh37 (hg19) VCF-style: chr18-2673328-G-C.
Other names: short protein forms R158P.
Identifiers: ClinVar variation 2908624 (VCV002908624.3), dbSNP rs531460906, ClinGen allele CA8870558.
Genomic context (GRCh38, chr18:2,673,329, plus strand): 5'-GATCTCTTGCAGCATTTGCTCTTGCGGAATTAATTGACAATTCATTGTCTGCTACTTCTC[G>C]TAACATTGGGGTTAGAAGAATACAGATCAAATTGGTAAGGAAATAATACTGTAAAGCAAT-3'
Protein context (NP_056110.2, residues 148-168): LIDNSLSATS[Arg158Pro]NIGVRRIQIK